The following is an entry in ClinVar:

NM_001079872.2(CUL4B):c.181_182del (p.Thr61fs)

Genes: CUL4B (cullin 4B; minus strand), LOC113845788 (Sharpr-MPRA regulatory region 11856; plus strand). Cytogenetic location: Xq24.
Variant type: Deletion.
Coding change: c.181_182del on transcript NM_001079872.2 (MANE Select); coding-DNA positions 181 to 182, 2 bases deleted (AC; older notation c.181_182delAC).
Protein change: p.Thr61fs; shifts the reading frame from threonine 61.
Molecular consequence: frameshift variant.
Genome position (GRCh38, 1-based): chrX:120,560,457-120,560,458, GT deleted on the plus strand (AC on the coding strand, the reverse complement: CUL4B is on the minus strand); deleting any 2 consecutive bases within chrX:120,560,457-120,560,459 gives the same sequence; the c. name uses the placement nearest the transcript's 3' end. VCF-style (leftmost placement, unchanged base first): chrX-120560456-GGT-G. GRCh37 (hg19) VCF-style: chrX-119694311-GGT-G.
Other names: c.196_197del, p.Thr66fs (NM_001330624.2); c.235_236del, p.Thr79fs (NM_003588.4); short protein forms T61fs, T66fs, T79fs.
Identifiers: ClinVar variation 2626897 (VCV002626897.1), dbSNP rs2521200386, ClinGen allele CA2582342930.

ClinVar aggregate classification (germline): Likely pathogenic (1 of 4 stars; one submission).

Conditions:
X-linked intellectual disability Cabezas type (MRXSC). Also called: MENTAL RETARDATION, X-LINKED, SYNDROMIC 15; CABEZAS SYNDROME; Intellectual developmental disorder, X-linked syndromic, Cabezas type. Identifiers: Orphanet 85289, Orphanet 85293, MedGen C1845861, MONDO:0010306, OMIM 300354.

Submission:

Greenwood Genetic Center Diagnostic Laboratories, Greenwood Genetic Center
Classification: Likely pathogenic for X-linked intellectual disability Cabezas type. Last evaluated: 2023-08-23. Review status: criteria provided, single submitter. Criteria: ACMG Guidelines, 2015. Collection method: clinical testing. Allele origin: germline. Affected: yes.
Comment: PVS1, PM2